The following is an entry in ClinVar:

NM_138713.4(NFAT5):c.3613C>G (p.Pro1205Ala)

Gene: NFAT5 (nuclear factor of activated T cells 5; plus strand). Cytogenetic location: 16q22.1.
Variant type: single nucleotide variant.
Coding change: c.3613C>G on transcript NM_138713.4 (MANE Select); coding-DNA position 3613, C replaced by G.
Protein change: p.Pro1205Ala; replaces proline 1205 with alanine.
Molecular consequence: missense variant.
Genome position (GRCh38, 1-based): chr16:69,693,438, C>G. VCF-style: chr16-69693438-C-G. GRCh37 (hg19) VCF-style: chr16-69727341-C-G.
Other names: c.3610C>G, p.Pro1204Ala (NM_001113178.3); c.2938C>G, p.Pro980Ala (NM_001367709.1); c.3559C>G, p.Pro1187Ala (NM_006599.4); c.3331C>G, p.Pro1111Ala (NM_138714.4, NM_173214.3, NM_173215.3); short protein forms P1187A, P1204A, P1205A, P980A, P1111A.
Identifiers: ClinVar variation 1900610 (VCV001900610.5), dbSNP rs2544247740, ClinGen allele CA396513396.
Genomic context (GRCh38, chr16:69,693,438, plus strand): 5'-ATTTCTCCACTTCAGTCAACATCAAACAGTGAACAACAAGCTGCTTTCCAACAGCAAGCT[C>G]CAATATCACACATCCAGACTCCTATGCTTTCCCAAGAACAGGCACAACCCCCGCAGCAGG-3'
Protein context (NP_619727.2, residues 1195-1215): EQQAAFQQQA[Pro1205Ala]ISHIQTPMLS

ClinVar aggregate classification (germline): Uncertain significance (1 of 4 stars; one submission).

Conditions:
Immunodeficiency. Identifiers: MedGen C0021051, MONDO:0021094, HP:0002721.

Allele frequency attached by ClinVar (database versions not stated): gnomAD exomes below 0.00001.
gnomAD v4.1: 4 of 1,614,194 alleles (0.00025%); highest among the groups gnomAD compares: Non-Finnish European, 0.00025%; no homozygotes.

Submission:

Labcorp Genetics (formerly Invitae), Labcorp
Classification: Uncertain significance for Immunodeficiency. Last evaluated: 2021-12-08. Review status: criteria provided, single submitter. Criteria: Invitae Variant Classification Sherloc (09022015). Collection method: clinical testing. Allele origin: germline.
Comment: This sequence change replaces proline, which is neutral and non-polar, with alanine, which is neutral and non-polar, at codon 1111 of the NFAT5 protein (p.Pro1111Ala). This variant is not present in population databases (gnomAD no frequency). This variant has not been reported in the literature in individuals affected with NFAT5-related conditions. Algorithms developed to predict the effect of missense changes on protein structure and function (SIFT, PolyPhen-2, Align-GVGD) all suggest that this variant is likely to be tolerated. In summary, the available evidence is currently insufficient to determine the role of this variant in disease. Therefore, it has been classified as a Variant of Uncertain Significance.